The following is an entry in ClinVar:

ClinVar aggregate classification (germline): Likely benign. Review status: criteria provided, multiple submitters, no conflicts (2 of 4 stars). 2 submissions from 2 submitters: Likely benign (2). Last evaluated 2025-09-06.

Conditions:
WDPCP-related disorder. Also called: WDPCP-related condition.
Bardet-Biedl syndrome (BBS). Identifiers: Orphanet 110, MedGen C0752166, MONDO:0015229.

Allele frequency attached by ClinVar (database versions not stated): TOPMed below 0.00001; gnomAD exomes 0.00001.
gnomAD v4.1: 9 of 1,612,564 alleles (0.00056%); highest among the groups gnomAD compares: Admixed American, 0.0017%; no homozygotes.

Submissions (2):

Labcorp Genetics (formerly Invitae), Labcorp
Classification: Likely benign for Bardet-Biedl syndrome. Last evaluated: 2025-09-06. Review status: criteria provided, single submitter. Criteria: Invitae Variant Classification Sherloc (09022015). Collection method: clinical testing. Allele origin: germline.

PreventionGenetics, part of Exact Sciences
Classification: Likely benign for WDPCP-related condition. Last evaluated: 2025-07-11. Review status: criteria provided, single submitter. Criteria: ACMG Guidelines, 2015. Collection method: clinical testing. Allele origin: germline.
Comment: This variant is classified as likely benign based on ACMG/AMP sequence variant interpretation guidelines (Richards et al. 2015 PMID: 25741868, with internal and published modifications).

NM_015910.7(WDPCP):c.315A>G (p.Lys105=)

Gene: WDPCP (WD repeat containing planar cell polarity effector; minus strand). Cytogenetic location: 2p15.
Variant type: single nucleotide variant.
Coding change: c.315A>G on transcript NM_015910.7 (MANE Select); coding-DNA position 315, A replaced by G.
Protein change: p.Lys105=; no amino-acid change (lysine 105 retained).
Molecular consequence: synonymous variant. On other transcripts: non-coding transcript variant (2).
Genome position (GRCh38, 1-based): chr2:63,484,926, T>C on the plus strand (A>G on the coding strand, the complement: WDPCP is on the minus strand). VCF-style: chr2-63484926-T-C. GRCh37 (hg19) VCF-style: chr2-63712060-T-C.
Other names: c.315A>G (NM_015910.5); c.243A>G, p.Lys81= (NM_001354044.2); c.315A>G, p.Lys105= (NM_001354045.2).
Identifiers: ClinVar variation 1537591 (VCV001537591.9), dbSNP rs936160193, ClinGen allele CA49241944.
Genomic context (GRCh38, chr2:63,484,926, plus strand): 5'-TTTTAAAAACAGATTTGTTTGTTGCCATTTTTGAAACTTTTTGAAAGATACCTCCAACTC[T>C]TTGAGCGAGTCTCGGAGTTTTTCTGGGCGTCTGTTTTTGAGCGTCCAAGGATAATCTCGT-3'
Protein context (NP_056994.3, residues 95-115): RRPEKLRDSL[Lys105=]ELEELMQNSR